The following is an entry in ClinVar:

ClinVar aggregate classification (germline): Conflicting classifications of pathogenicity. Review status: criteria provided, conflicting classifications (1 of 4 stars). 2 submissions from 2 submitters: Uncertain significance (1); Likely benign (1). Last evaluated 2025-06-16.

Conditions:
Erythrocytosis, familial, 3 (ECYT3). Identifiers: Orphanet 247511, MedGen C1853286, MONDO:0012353, OMIM 609820.

gnomAD v4.1: 3 of 1,514,364 alleles (0.0002%); highest among the groups gnomAD compares: Non-Finnish European, 0.00027%; no homozygotes.

Submissions (2):

Ambry Genetics
Classification: Likely benign. Last evaluated: 2025-06-16. Review status: criteria provided, single submitter. Criteria: Ambry Variant Classification Scheme 2023. Collection method: clinical testing. Allele origin: germline.

Labcorp Genetics (formerly Invitae), Labcorp
Classification: Uncertain significance for Erythrocytosis, familial, 3. Last evaluated: 2024-02-23. Review status: criteria provided, single submitter. Criteria: Invitae Variant Classification Sherloc (09022015). Collection method: clinical testing. Allele origin: germline.
Comment: This sequence change replaces proline, which is neutral and non-polar, with serine, which is neutral and polar, at codon 149 of the EGLN1 protein (p.Pro149Ser). The frequency data for this variant in the population databases is considered unreliable, as metrics indicate poor data quality at this position in the gnomAD database. This variant has not been reported in the literature in individuals affected with EGLN1-related conditions. Algorithms developed to predict the effect of missense changes on protein structure and function output the following: SIFT: "Not Available"; PolyPhen-2: "Benign"; Align-GVGD: "Not Available". The serine amino acid residue is found in multiple mammalian species, which suggests that this missense change does not adversely affect protein function. In summary, the available evidence is currently insufficient to determine the role of this variant in disease. Therefore, it has been classified as a Variant of Uncertain Significance.

NM_022051.3(EGLN1):c.445C>T (p.Pro149Ser)

Gene: EGLN1 (egl-9 family hypoxia inducible factor 1; minus strand). Cytogenetic location: 1q42.2.
Variant type: single nucleotide variant.
Coding change: c.445C>T on transcript NM_022051.3 (MANE Select); coding-DNA position 445, C replaced by T.
Protein change: p.Pro149Ser; replaces proline 149 with serine.
Molecular consequence: missense variant.
Genome position (GRCh38, 1-based): chr1:231,421,444, G>A on the plus strand (C>T on the coding strand, the complement: EGLN1 is on the minus strand). VCF-style: chr1-231421444-G-A. GRCh37 (hg19) VCF-style: chr1-231557190-G-A.
Other names: c.445C>T, p.Pro149Ser (NM_001377260.1, NM_001377261.1); c.445C>T (NM_022051.2); short protein forms P149S.
Identifiers: ClinVar variation 3632728 (VCV003632728.3).
Genomic context (GRCh38, chr1:231,421,444, plus strand): 5'-GCGTGTTGCTTGGGGGGTACAGGTTCGCCTTCTCCTGGAACAGCGATGAGCGGGCCGGCG[G>A]CTCCTCCTTGCCGGGCTCGGCTTCGGCAGCCACCGCCGAGCCCTGGCCGCCGGCGGCCGC-3'
Protein context (NP_071334.1, residues 139-159): AAEAEPGKEE[Pro149Ser]PARSSLFQEK